The following is an entry in ClinVar:

ClinVar aggregate classification (germline): Uncertain significance. Review status: criteria provided, multiple submitters, no conflicts (2 of 4 stars). 4 submissions from 4 submitters: Uncertain significance (4). Last evaluated 2025-07-25.

Conditions:
Hereditary cancer-predisposing syndrome. Also called: Neoplastic Syndromes, Hereditary; Hereditary Cancer Syndrome; Hereditary neoplastic syndrome; Tumor predisposition. Identifiers: Orphanet 140162, MedGen C0027672, MeSH D009386, MONDO:0015356.
Hereditary pheochromocytoma and paraganglioma. Also called: Hereditary pheochromocytoma-paraganglioma; Hereditary Paraganglioma-Pheochromocytoma Syndromes; Hereditary paragangliomas and pheochromocytomas. Identifiers: Orphanet 29072, MedGen C4274332, MONDO:0017366.
Gastrointestinal stromal tumor. Also called: Gastrointestinal stromal tumor, somatic; Gastrointestinal stroma tumor. Identifiers: Orphanet 44890, MedGen C0238198, MeSH D046152, MONDO:0011719, OMIM 606764, HP:0100723.
Pheochromocytoma/paraganglioma syndrome 3. Also called: SDHC-Related Hereditary Paraganglioma-Pheochromocytoma Syndrome (Paragangliomas 3); SDHC-Related Hereditary Paraganglioma-Pheochromocytoma Syndrome; Paragangliomas 3; GLOMUS TUMORS, FAMILIAL, 3. Identifiers: Orphanet 29072, MedGen C1854336, MONDO:0011544, OMIM 605373.

Allele frequency attached by ClinVar (database versions not stated): gnomAD exomes below 0.00001; ExAC 0.00001; gnomAD 0.00001.
gnomAD v4.1: 2 of 1,613,660 alleles (0.00012%); highest among the groups gnomAD compares: Non-Finnish European, 0.00017%; no homozygotes.

Submissions (4):

GeneDx
Classification: Uncertain significance. Last evaluated: 2025-07-25. Review status: criteria provided, single submitter. Criteria: GeneDx Variant Classification Process June 2021. Collection method: clinical testing. Allele origin: germline. Affected: yes.
Comment: Not observed at significant frequency in large population cohorts (gnomAD); In silico analysis suggests that this missense variant does not alter protein structure/function; This variant is associated with the following publications: (PMID: 38473309)

Labcorp Genetics (formerly Invitae), Labcorp
Classification: Uncertain significance for Pheochromocytoma/paraganglioma syndrome 3; Gastrointestinal stromal tumor. Last evaluated: 2024-11-11. Review status: criteria provided, single submitter. Criteria: Invitae Variant Classification Sherloc (09022015). Collection method: clinical testing. Allele origin: germline.
Comment: This sequence change replaces lysine, which is basic and polar, with glutamic acid, which is acidic and polar, at codon 35 of the SDHC protein (p.Lys35Glu). This variant is present in population databases (rs746315913, gnomAD 0.0008%). This variant has not been reported in the literature in individuals affected with SDHC-related conditions. ClinVar contains an entry for this variant (Variation ID: 822072). An algorithm developed to predict the effect of missense changes on protein structure and function (PolyPhen-2) suggests that this variant is likely to be disruptive. In summary, the available evidence is currently insufficient to determine the role of this variant in disease. Therefore, it has been classified as a Variant of Uncertain Significance.

All of Us Research Program, National Institutes of Health
Classification: Uncertain significance for Hereditary pheochromocytoma and paraganglioma. Last evaluated: 2023-06-28. Review status: criteria provided, single submitter. Criteria: ACMG Guidelines, 2015. Collection method: clinical testing. Allele origin: germline. Inheritance: Autosomal dominant inheritance. Observed: 1 variant allele, 1 heterozygote.
Comment: This study involves interpretation of variants in research participants for the purpose of population health screening. Participant phenotype was not available at the time of variant classification. Additional details can be found in publication PMID: 35346344, PMCID: PMC8962531

Ambry Genetics
Classification: Uncertain significance for Hereditary cancer-predisposing syndrome. Last evaluated: 2022-07-08. Review status: criteria provided, single submitter. Criteria: Ambry Variant Classification Scheme 2023. Collection method: clinical testing. Allele origin: germline.
Comment: The p.K35E variant (also known as c.103A>G), located in coding exon 3 of the SDHC gene, results from an A to G substitution at nucleotide position 103. The lysine at codon 35 is replaced by glutamic acid, an amino acid with similar properties. This amino acid position is highly conserved in available vertebrate species. In addition, this alteration is predicted to be deleterious by in silico analysis. Since supporting evidence is limited at this time, the clinical significance of this alteration remains unclear.

NM_003001.5(SDHC):c.103A>G (p.Lys35Glu)

Gene: SDHC (succinate dehydrogenase complex subunit C; plus strand). Cytogenetic location: 1q23.3.
Variant type: single nucleotide variant.
Coding change: c.103A>G on transcript NM_003001.5 (MANE Select); coding-DNA position 103, A replaced by G.
Protein change: p.Lys35Glu; replaces lysine 35 with glutamic acid.
Molecular consequence: missense variant. On other transcripts: 5 prime UTR variant (2), non-coding transcript variant (1), intron variant (4).
Genome position (GRCh38, 1-based): chr1:161,328,421, A>G. VCF-style: chr1-161328421-A-G. GRCh37 (hg19) VCF-style: chr1-161298211-A-G.
Other names: c.103A>G, p.Lys35Glu (NM_001035511.3, NM_001407115.1); c.46A>G, p.Lys16Glu (NM_001407116.1, NM_001407117.1, NM_001407121.1); c.-9A>G (NM_001407119.1, NM_001407120.1); c.77+4751A>G (NM_001035512.3, NM_001278172.3, NM_001407118.1); c.21-12173A>G (NM_001035513.3); short protein forms K35E, K16E.
Identifiers: ClinVar variation 822072 (VCV000822072.17), dbSNP rs746315913, ClinGen allele CA045660.